The following is an entry in ClinVar:

ClinVar aggregate classification (germline): Uncertain significance (1 of 4 stars; one submission).

Conditions:
Cardiofacioneurodevelopmental syndrome. Identifiers: MedGen C5436852, MONDO:0030873, OMIM 619123.

Submission:

Illumina Laboratory Services, Illumina
Classification: Uncertain significance for Cardiofacioneurodevelopmental syndrome. Last evaluated: 2023-03-30. Review status: criteria provided, single submitter. Criteria: ICSLVariantClassificationCriteria RUGD 01 April 2020. Collection method: clinical testing. Allele origin: unknown.
Comment: The CCDC32 c.471T>A (p.Tyr157Ter) nonsense variant, which is also known as NM_001080791.2: c.498T>A (p.Tyr166Ter), results in the substitution of tyrosine at amino acid position 157 with a stop codon. This variant occurs in the last exon of the gene, and the resulting transcript may escape nonsense-mediated mRNA decay. To our knowledge, this variant has not been reported in the peer-reviewed literature. This variant is not found in version 2.1.1 or version 3.1.2 of the Genome Aggregation Database. Based on the available evidence, the c.471T>A (p.Tyr157Ter) variant is classified as a variant of uncertain significance for cardiofacioneurodevelopmental syndrome.

NM_001080792.4(CCDC32):c.471T>A (p.Tyr157Ter)

Gene: CCDC32 (coiled-coil domain containing 32; minus strand). Cytogenetic location: 15q15.1.
Variant type: single nucleotide variant.
Coding change: c.471T>A on transcript NM_001080792.4 (MANE Select); coding-DNA position 471, T replaced by A.
Protein change: p.Tyr157Ter; replaces tyrosine 157 with a stop codon.
Molecular consequence: nonsense. On other transcripts: intron variant (6).
Genome position (GRCh38, 1-based): chr15:40,554,058, A>T on the plus strand (T>A on the coding strand, the complement: CCDC32 is on the minus strand). VCF-style: chr15-40554058-A-T. GRCh37 (hg19) VCF-style: chr15-40846257-A-T.
Other names: c.401+3158T>A (NM_001382440.1, NM_001382441.1, NM_001382438.1 and 3 more transcripts); c.471T>A, p.Tyr157Ter (NM_001382436.1, NM_052849.5, NM_001080791.4 and 2 more transcripts); c.489T>A, p.Tyr163Ter (NM_001382442.1); short protein forms Y157*, Y163*.
Identifiers: ClinVar variation 2580223 (VCV002580223.1), dbSNP rs2543087691, ClinGen allele CA391722033.